The following is an entry in ClinVar:

NC_000001.11:g.153796535C>T

Gene: GATAD2B (GATA zinc finger domain containing 2B; minus strand). Cytogenetic location: 1q21.3.
Variant type: single nucleotide variant.
Genome position: GRCh38 VCF-style: chr1-153796535-C-T. GRCh37 (hg19) VCF-style: chr1-153769011-C-T.
Identifiers: ClinVar variation 2639355 (VCV002639355.24), dbSNP rs140136091, ClinGen allele CA30744382.

ClinVar aggregate classification (germline): Likely benign (1 of 4 stars; one submission).

Allele frequency attached by ClinVar (database versions not stated): 1000 Genomes Project 0.00060; 1000 Genomes Project 30x 0.00062.

Submission:

CeGaT Center for Human Genetics Tuebingen
Classification: Likely benign. Last evaluated: 2023-04-01. Review status: criteria provided, single submitter. Criteria: CeGaT Center For Human Genetics Tuebingen Variant Classification Criteria Version 2. Collection method: clinical testing. Allele origin: germline. Affected: yes. Observed: 1 variant allele.
Comment: GATAD2B: BS1